The following is an entry in ClinVar:

NM_001127671.2(LIFR):c.1004C>T (p.Thr335Ile)

Gene: LIFR (LIF receptor subunit alpha; minus strand). Cytogenetic location: 5p13.1.
Variant type: single nucleotide variant.
Coding change: c.1004C>T on transcript NM_001127671.2 (MANE Select); coding-DNA position 1004, C replaced by T.
Protein change: p.Thr335Ile; replaces threonine 335 with isoleucine.
Molecular consequence: missense variant.
Genome position (GRCh38, 1-based): chr5:38,506,620, G>A on the plus strand (C>T on the coding strand, the complement: LIFR is on the minus strand). VCF-style: chr5-38506620-G-A. GRCh37 (hg19) VCF-style: chr5-38506722-G-A.
Other names: c.1004C>T, p.Thr335Ile (NM_001364297.2, NM_001364298.2, NM_002310.6); short protein forms T335I.
Identifiers: ClinVar variation 1405699 (VCV001405699.5), dbSNP rs769942217, ClinGen allele CA3243059.
Genomic context (GRCh38, chr5:38,506,620, plus strand): 5'-GGATTCCAACTACATATAATTTCTTTTAAATCATGTGTCTCACAATTCAGTTGTTGAGGA[G>A]TATCTGGTGGATCTAACAGAAAAAAAATGCAGGTACTTATGATTACATATATTTTCCCTG-3'
Protein context (NP_001121143.1, residues 325-345): TVIFAGYPPD[Thr335Ile]PQQLNCETHD

ClinVar aggregate classification (germline): Uncertain significance (1 of 4 stars; one submission).

Allele frequency attached by ClinVar (database versions not stated): gnomAD 0.00002; gnomAD exomes 0.00002; ExAC 0.00003; TOPMed 0.00004.
gnomAD v4.1: 16 of 1,612,380 alleles (0.00099%); highest among the groups gnomAD compares: Non-Finnish European, 0.0014%; no homozygotes.

Submission:

Labcorp Genetics (formerly Invitae), Labcorp
Classification: Uncertain significance. Last evaluated: 2021-08-20. Review status: criteria provided, single submitter. Criteria: Invitae Variant Classification Sherloc (09022015). Collection method: clinical testing. Allele origin: germline.
Comment: This sequence change replaces threonine with isoleucine at codon 335 of the LIFR protein (p.Thr335Ile). The threonine residue is weakly conserved and there is a moderate physicochemical difference between threonine and isoleucine. This variant is present in population databases (rs769942217, ExAC 0.005%). This variant has not been reported in the literature in individuals affected with LIFR-related conditions. Algorithms developed to predict the effect of missense changes on protein structure and function output the following: SIFT: "Tolerated"; PolyPhen-2: "Benign"; Align-GVGD: "Class C0". The isoleucine amino acid residue is found in multiple mammalian species, which suggests that this missense change does not adversely affect protein function. In summary, the available evidence is currently insufficient to determine the role of this variant in disease. Therefore, it has been classified as a Variant of Uncertain Significance.